The following is an entry in ClinVar:

ClinVar aggregate classification (germline): Uncertain significance (1 of 4 stars; one submission).

Allele frequency attached by ClinVar (database versions not stated): gnomAD 0.00002; TOPMed 0.00002.
gnomAD v4.1: 6 of 1,609,494 alleles (0.00037%); highest among the groups gnomAD compares: African/African-American, 0.0067%; no homozygotes.

Submission:

Labcorp Genetics (formerly Invitae), Labcorp
Classification: Uncertain significance. Last evaluated: 2021-12-13. Review status: criteria provided, single submitter. Criteria: Invitae Variant Classification Sherloc (09022015). Collection method: clinical testing. Allele origin: germline.
Comment: In summary, the available evidence is currently insufficient to determine the role of this variant in disease. Therefore, it has been classified as a Variant of Uncertain Significance. Algorithms developed to predict the effect of missense changes on protein structure and function are either unavailable or do not agree on the potential impact of this missense change (SIFT: "Not Available"; PolyPhen-2: "Benign"; Align-GVGD: "Not Available"). This variant has not been reported in the literature in individuals affected with IFT88-related conditions. This variant is present in population databases (no rsID available, gnomAD 0.01%). This sequence change replaces glutamine, which is neutral and polar, with glutamic acid, which is acidic and polar, at codon 230 of the IFT88 protein (p.Gln230Glu).

NM_006531.5(IFT88):c.661C>G (p.Gln221Glu)

Gene: IFT88 (intraflagellar transport 88; plus strand). Cytogenetic location: 13q12.11.
Variant type: single nucleotide variant.
Coding change: c.661C>G on transcript NM_006531.5 (MANE Select); coding-DNA position 661, C replaced by G.
Protein change: p.Gln221Glu; replaces glutamine 221 with glutamic acid.
Molecular consequence: missense variant. On other transcripts: non-coding transcript variant (5).
Genome position (GRCh38, 1-based): chr13:20,598,717, C>G. VCF-style: chr13-20598717-C-G. GRCh37 (hg19) VCF-style: chr13-21172856-C-G.
Other names: c.604C>G, p.Gln202Glu (NM_001318491.2, NM_001353573.2, NM_001353574.2 and 1 more transcripts); c.688C>G, p.Gln230Glu (NM_001318493.2, NM_001353565.2, NM_001353566.2 and 6 more transcripts); c.661C>G, p.Gln221Glu (NM_001353568.2, NM_001353571.2, NM_001353572.2 and 1 more transcripts); c.28C>G, p.Gln10Glu (NM_001353579.2); short protein forms Q230E, Q10E, Q202E, Q221E.
Identifiers: ClinVar variation 1942762 (VCV001942762.5), dbSNP rs1392662112, ClinGen allele CA387473072.
Genomic context (GRCh38, chr13:20,598,717, plus strand): 5'-TTCAATTTGGCCAGTCAGTATTCAGTTAATGAAATGTATGCCGAAGCACTTAACACTTAT[C>G]AAGTTATAGTCAAAAATAAGATGTTTAGCAATGCAGGTAAGTGTACATAATCAGTTTTTC-3'
Protein context (NP_006522.2, residues 211-231): EMYAEALNTY[Gln221Glu]VIVKNKMFSN